The following is an entry in ClinVar:

ClinVar aggregate classification (germline): Benign. Review status: criteria provided, multiple submitters, no conflicts (2 of 4 stars). 2 submissions from 2 submitters: Benign (2). Last evaluated 2020-10-29.

Allele frequency attached by ClinVar (database versions not stated): 1000 Genomes Project 0.48902; 1000 Genomes Project 30x 0.49953; TOPMed 0.55277.
gnomAD v4.1: 173,926 of 356,402 alleles (49%); highest among the groups gnomAD compares: African/African-American, 69%; 45,038 homozygotes.

Submissions (2):

GeneDx
Classification: Benign. Last evaluated: 2020-10-29. Review status: criteria provided, single submitter. Criteria: GeneDx Variant Classification Process June 2021. Collection method: clinical testing. Allele origin: germline. Affected: yes.
Comment: This variant is associated with the following publications: (PMID: 30569605)

Breakthrough Genomics
Classification: Benign. Review status: criteria provided, single submitter. Criteria: ACMG Guidelines, 2015. Collection method: not provided. Allele origin: germline. Inheritance: Unknown mechanism. Affected: yes.

NM_006546.4(IGF2BP1):c.*6013T>C

Gene: IGF2BP1 (insulin like growth factor 2 mRNA binding protein 1; plus strand). Cytogenetic location: 17q21.32.
Variant type: single nucleotide variant.
Coding change: c.*6013T>C on transcript NM_006546.4 (MANE Select); 6013 bases downstream of the stop codon, T replaced by C.
Molecular consequence: 3 prime UTR variant.
Genome position (GRCh38, 1-based): chr17:49,055,457, T>C. VCF-style: chr17-49055457-T-C. GRCh37 (hg19) VCF-style: chr17-47132819-T-C.
Other names: c.*6013T>C (NM_001160423.2).
Identifiers: ClinVar variation 1264098 (VCV001264098.3), dbSNP rs6504593, ClinGen allele CA14450154.
Genomic context (GRCh38, chr17:49,055,457, plus strand): 5'-TTCTCCCCTCCCAGCCAGCTGACTTCAGTCACCCCTGTCCCCCCTCCCCTGCCAATAAGC[T>C]CCCCCAGGAATAAAGGCTTTGTTTTGGGGATGCTTAAATCTTGACTGGCACTTCCCGGCT-3'